The following is an entry in ClinVar:

ClinVar aggregate classification (germline): Pathogenic (1 of 4 stars; one submission).

Conditions:
Hypertrophic cardiomyopathy. Also called: HYPERTROPHIC MYOCARDIOPATHY. Identifiers: Orphanet 217569, MedGen C0007194, MeSH D002312, MONDO:0005045, HP:0001639.

Submission:

Labcorp Genetics (formerly Invitae), Labcorp
Classification: Pathogenic for Hypertrophic cardiomyopathy. Last evaluated: 2023-05-08. Review status: criteria provided, single submitter. Criteria: Invitae Variant Classification Sherloc (09022015). Collection method: clinical testing. Allele origin: germline.
Comment: For these reasons, this variant has been classified as Pathogenic. This variant disrupts a region of the MYBPC3 protein in which other variant(s) (p.Arg1022Pro) have been determined to be pathogenic (PMID: 16335287, 20433692, 23396983, 28771489). This suggests that this is a clinically significant region of the protein, and that variants that disrupt it are likely to be disease-causing. This variant has not been reported in the literature in individuals affected with MYBPC3-related conditions. This variant results in the deletion of exons 29-32 and part of exon 28 (c.2962_3628-149del) of the MYBPC3 gene. It is expected to disrupt RNA splicing. Variants that disrupt the donor or acceptor splice site typically lead to a loss of protein function (PMID: 16199547), and loss-of-function variants in MYBPC3 are known to be pathogenic (PMID: 19574547).

Literature cited by the submitters: PubMed 16335287; PubMed 20433692; PubMed 23396983; PubMed 28771489; PubMed 16199547; PubMed 19574547.

NC_000011.9:g.(?_47353958)_(47355505_?)del

Gene: MYBPC3 (myosin binding protein C3; minus strand). Cytogenetic location: 11p11.2.
Variant type: Deletion.
Identifiers: ClinVar variation 2422689 (VCV002422689.4).